The following is an entry in ClinVar:

ClinVar aggregate classification (germline): Likely pathogenic. Review status: reviewed by expert panel (3 of 4 stars). 11 submissions from 10 submitters: Likely pathogenic (1). 10 of the submissions do not count toward it. Last evaluated 2025-03-12.

Conditions:
Autosomal dominant nonsyndromic hearing loss 11. Identifiers: Orphanet 90635, MedGen C1832475, MONDO:0011032, OMIM 601317.
Autosomal recessive nonsyndromic hearing loss 2. Also called: NEUROSENSORY NONSYNDROMIC RECESSIVE DEAFNESS 2; DEAFNESS, AUTOSOMAL RECESSIVE 2. Identifiers: Orphanet 90636, MedGen C1838701, MONDO:0010807, OMIM 600060.
Usher syndrome. Also called: Usher Syndromes; Usher's syndrome. Identifiers: Orphanet 886, MedGen CN469326, MeSH D052245, MONDO:0019501. Disease mechanism: loss of function.
Usher syndrome type 1B (USH1B). Also called: Usher syndrome type IB. Identifiers: MedGen C1848638, MONDO:0700087.
MYO7A-related disorder. Also called: MYO7A-related disorders.
Usher syndrome type 1 (USH1). Also called: RETINITIS PIGMENTOSA AND CONGENITAL DEAFNESS. Identifiers: Orphanet 231169, Orphanet 886, MedGen C1568247, MONDO:0010168, OMIM 276900.

Allele frequency attached by ClinVar (database versions not stated): ExAC 0.00003; gnomAD 0.00003; gnomAD exomes 0.00005; TOPMed 0.00010; ESP Exome Variant Server 0.00024.
gnomAD v4.1: 151 of 1,613,960 alleles (0.0094%); highest among the groups gnomAD compares: Middle Eastern, 0.016%; no homozygotes.

Submissions (11):

ClinGen Hearing Loss Variant Curation Expert Panel
Classification: Likely pathogenic for Usher syndrome. Last evaluated: 2025-03-12. Review status: reviewed by expert panel. Criteria: Clingen Hl Acmg Specifications Cdh23 Coch Gjb2 Kcnq4 Myo6 Myo7a Slc26a4 Tecta Ush2a V2. Collection method: curation. Allele origin: germline. Inheritance: Autosomal recessive inheritance.
Comment: The c.397C>A variant in MYO7A is a missense variant predicted to cause substitution of histidine by asparagine at amino acid 133 (p.His133Asn). The filtering allele frequency in gnomAD v4 is 0.01079% (147/1179888) in the European (non-Finnish) population. (PM2_Supporting, BS1, and BA1 are not met). This variant has been reported as compound heterozygous, phase unknown, with a pathogenic variant in three individuals. One individual had a phenotype of Usher syndrome, one individual had congenital, severe to profound hearing loss, and one individual had inherited retinal disease (PM3, PP4; PMID: 36011334, 26969326, 38219857). Two additional individuals with clinical features of Usher syndrome harbored the variant phase unknown with another variant of uncertain significance (PMID: 37466950, SCV001218757.5). The computational predictor REVEL gives a score of 0.937, which is above the threshold necessary to apply PP3 (PP3). Another missense variant, c.397C>T p.His133Tyr, in the same codon has been classified as pathogenic for Usher syndrome by the ClinGen Hearing Loss VCEP (PM5; ClinVar Variation ID: 43228). In summary, this variant meets the criteria to be classified as likely pathogenic for autosomal recessive Usher syndrome based on the ACMG/AMP criteria applied, as specified by the ClinGen Hearing Loss VCEP: PM3, PP4, PP3, PM5. (ClinGen Hearing Loss VCEP specifications version 2; 03/12/2025).

Labcorp Genetics (formerly Invitae), Labcorp
Classification: Pathogenic. Last evaluated: 2025-11-17. Review status: criteria provided, single submitter. Criteria: Invitae Variant Classification Sherloc (09022015). Collection method: clinical testing. Allele origin: germline. Not counted in ClinVar's aggregate classification.
Comment: This sequence change replaces histidine, which is basic and polar, with asparagine, which is neutral and polar, at codon 133 of the MYO7A protein (p.His133Asn). This variant is present in population databases (rs111033403, gnomAD 0.008%). This missense change has been observed in individuals with Usher syndrome (PMID: 26969326; internal data). ClinVar contains an entry for this variant (Variation ID: 164656). Invitae Evidence Modeling of protein sequence and biophysical properties (such as structural, functional, and spatial information, amino acid conservation, physicochemical variation, residue mobility, and thermodynamic stability) indicates that this missense variant is expected to disrupt MYO7A protein function with a positive predictive value of 95%. This variant disrupts the p.His133 amino acid residue in MYO7A. Other variant(s) that disrupt this residue have been observed in individuals with MYO7A-related conditions (PMID: 16679490, 20052763), which suggests that this may be a clinically significant amino acid residue. For these reasons, this variant has been classified as Pathogenic.

Natera, Inc.
Classification: Likely pathogenic for Usher syndrome type 1B. Last evaluated: 2025-11-06. Review status: criteria provided, single submitter. Criteria: Natera Variant Classification Schema (03/2026). Collection method: clinical testing. Allele origin: germline. Not counted in ClinVar's aggregate classification.
Comment: The c.397C>A variant in MYO7A is a missense variant predicted to cause substitution of histidine to asparagine at amino acid 133. This variant is rare in the general population with a frequency below the threshold expected for the associated phenotype(s). This variant has been observed in one or more individuals affected with the associated recessive disease, as either homozygous or compound heterozygous with a second variant (PMID: 26969326, 33749171, 36011334). A different variant at the same position has been determined to be Pathogenic or Likely Pathogenic. Computational prediction algorithms indicate this variant is likely to affect gene or protein function. Given the available evidence, this variant is classified as Likely Pathogenic.

Victorian Clinical Genetics Services, Murdoch Childrens Research Institute
Classification: Pathogenic for Autosomal recessive nonsyndromic hearing loss 2. Last evaluated: 2025-07-16. Review status: criteria provided, single submitter. Criteria: ACMG Guidelines, 2015. Collection method: clinical testing. Allele origin: germline. Affected: yes. Not counted in ClinVar's aggregate classification.
Comment: This variant is classified as Pathogenic. Evidence in support of pathogenic classification: Variant is present in gnomAD (v4) <0.01 (151 heterozygotes, 0 homozygotes); This variant has moderate previous evidence of pathogenicity in unrelated individuals. This variant has been classified as likely pathogenic in individuals with a second MYO7A variant with Usher syndrome or hearing loss (PMID: 37466950, 26969326, 36011334, DECIPHER). This variant has been classified as pathogenic once in ClinVar, as well as older VUS and likely benign entries. This variant has also been classified as pathogenic in the deafness variation database; Other missense variants comparable to the one identified in this case have strong previous evidence for pathogenicity. p.(His133Tyr), p.(His133Asp) and p.(His133Gln) have been classified as pathogenic or likely pathogenic by multiple clinical laboratories in ClinVar. p.(His133Asp) also has an older VUS entry, and p.(His133Pro) has been classified as a VUS in ClinVar and pathogenic in the deafness variation database. p.(His133Tyr) and p.(His133Asp) have also been observed in individuals with a second MYO7A variant with Usher syndrome or profound hearing loss (PMID: 28944237, 35982127); Missense variant consistently predicted to be damaging by multiple in silico tools or highly conserved with a major amino acid change. Additional information: Variant is predicted to result in a missense amino acid change from histidine to asparagine; This variant is heterozygous; This gene is associated with both recessive and dominant disease. While the genotype-phenotype correlation is unestablished, missense variants causing autosomal dominant inheritance are rare and are not localised to a specific protein region (OMIM); An alternative amino acid change at the same position has been observed in gnomAD (v4) (3 heterozygotes, 0 homozygotes); No published segregation evidence has been identified for this variant; No published functional evidence has been identified for this variant; Variant is located in the annotated myosin head motor domain (DECIPHER); Loss of function is a known mechanism of disease in this gene and is associated with deafness autosomal dominant 11 (MIM#601317), deafness autosomal recessive 2 (MIM#600060) and Usher syndrome, type 1B (MIM#276900). In addition, dominant negative is the suggested mechanism for missense variants in autosomal dominant inheritance (OMIM, PMID: 23383098); Heterozygous variant detected in trans with a second likely PATHOGENIC heterozygous variant (NM_000260.4(MYO7A):c.1525C>G; p.(Leu509Val)) in a recessive disease.

GeneDx
Classification: Likely pathogenic. Last evaluated: 2025-04-22. Review status: criteria provided, single submitter. Criteria: GeneDx Variant Classification Process June 2021. Collection method: clinical testing. Allele origin: germline. Affected: yes. Not counted in ClinVar's aggregate classification.
Comment: In silico analysis supports that this missense variant has a deleterious effect on protein structure/function; This variant is associated with the following publications: (PMID: 26969326, 36011334, 33749171, 37466950, 38219857)

Fulgent Genetics
Classification: Likely pathogenic for Usher syndrome type 1; Autosomal recessive nonsyndromic hearing loss 2; Autosomal dominant nonsyndromic hearing loss 11. Last evaluated: 2024-05-10. Review status: criteria provided, single submitter. Criteria: ACMG Guidelines, 2015. Collection method: clinical testing. Allele origin: germline. Not counted in ClinVar's aggregate classification.

Blueprint Genetics
Classification: Pathogenic for MYO7A-related disorders. Last evaluated: 2024-04-25. Review status: criteria provided, single submitter. Criteria: ACMG Guidelines, 2015. Collection method: clinical testing. Allele origin: germline. Affected: yes. Observed: 5 variant alleles. Not counted in ClinVar's aggregate classification.

Illumina Laboratory Services, Illumina
Classification: Uncertain significance for Autosomal recessive nonsyndromic hearing loss 2. Last evaluated: 2017-04-28. Review status: criteria provided, single submitter. Criteria: ICSL Variant Classification Criteria 13 December 2019. Collection method: clinical testing. Allele origin: germline. Not counted in ClinVar's aggregate classification.

Illumina Laboratory Services, Illumina
Classification: Uncertain significance for Autosomal dominant nonsyndromic hearing loss 11. Last evaluated: 2017-04-28. Review status: criteria provided, single submitter. Criteria: ICSL Variant Classification Criteria 13 December 2019. Collection method: clinical testing. Allele origin: germline. Not counted in ClinVar's aggregate classification.

Laboratory for Molecular Medicine, Mass General Brigham Personalized Medicine
Classification: Uncertain significance. Last evaluated: 2016-08-04. Review status: criteria provided, single submitter. Criteria: LMM Criteria. Collection method: clinical testing. Allele origin: germline. Observed: 1 variant allele. Not counted in ClinVar's aggregate classification.
Comment: proposed classification - variant undergoing re-assessment, contact laboratory

Counsyl
Classification: Uncertain significance for Usher syndrome type 1; Autosomal recessive nonsyndromic hearing loss 2. Last evaluated: 2017-01-26. Review status: no assertion criteria provided. Collection method: clinical testing. Allele origin: unknown. Not counted in ClinVar's aggregate classification.

Literature cited by the submitters: PubMed 26969326 (cited by 4 submitters); PubMed 16679490 (cited by Labcorp Genetics (formerly Invitae), Labcorp and Laboratory for Molecular Medicine, Mass General Brigham Personalized Medicine); PubMed 20052763 (cited by Labcorp Genetics (formerly Invitae), Labcorp); PubMed 33749171 (cited by Natera, Inc.); PubMed 36011334 (cited by Natera, Inc. and Victorian Clinical Genetics Services, Murdoch Childrens Research Institute); PubMed 35982127 (cited by Victorian Clinical Genetics Services, Murdoch Childrens Research Institute); PubMed 23383098 (cited by Victorian Clinical Genetics Services, Murdoch Childrens Research Institute); PubMed 37466950 (cited by Victorian Clinical Genetics Services, Murdoch Childrens Research Institute); PubMed 28944237 (cited by Victorian Clinical Genetics Services, Murdoch Childrens Research Institute); PubMed 21436283 (cited by Laboratory for Molecular Medicine, Mass General Brigham Personalized Medicine).

NM_000260.4(MYO7A):c.397C>A (p.His133Asn)

Gene: MYO7A (myosin VIIA; plus strand). Cytogenetic location: 11q13.5.
Variant type: single nucleotide variant.
Coding change: c.397C>A on transcript NM_000260.4 (MANE Select); coding-DNA position 397, C replaced by A.
Protein change: p.His133Asn; replaces histidine 133 with asparagine.
Molecular consequence: missense variant.
Genome position (GRCh38, 1-based): chr11:77,156,018, C>A. VCF-style: chr11-77156018-C-A. GRCh37 (hg19) VCF-style: chr11-76867064-C-A.
Other names: NM_000260.4(MYO7A):c.397C>A; c.397C>A, p.His133Asn (NM_001127180.2); c.364C>A, p.His122Asn (NM_001369365.1); short protein forms H133N, H122N.
Identifiers: ClinVar variation 164656 (VCV000164656.24), dbSNP rs111033403, ClinGen allele CA177366.